The following is an entry in ClinVar:

NM_000038.6(APC):c.8240C>T (p.Pro2747Leu)

Gene: APC (APC regulator of Wnt signaling pathway; plus strand). Cytogenetic location: 5q22.2.
Variant type: single nucleotide variant.
Coding change: c.8240C>T on transcript NM_000038.6 (MANE Select); coding-DNA position 8240, C replaced by T.
Protein change: p.Pro2747Leu; replaces proline 2747 with leucine.
Molecular consequence: missense variant.
Genome position (GRCh38, 1-based): chr5:112,843,834, C>T. VCF-style: chr5-112843834-C-T. GRCh37 (hg19) VCF-style: chr5-112179531-C-T.
Other names: c.8240C>T, p.Pro2747Leu (NM_001127510.3, NM_001354895.2); c.8186C>T, p.Pro2729Leu (NM_001127511.3); c.8294C>T, p.Pro2765Leu (NM_001354896.2); c.8270C>T, p.Pro2757Leu (NM_001354897.2); c.8165C>T, p.Pro2722Leu (NM_001354898.2); c.8156C>T, p.Pro2719Leu (NM_001354899.2); c.8117C>T, p.Pro2706Leu (NM_001354900.2); c.8063C>T, p.Pro2688Leu (NM_001354901.2); and 5 more; short protein forms P2747L, P2729L, P2587L, P2621L, P2765L, P2656L, P2706L, P2719L.
Identifiers: ClinVar variation 537552 (VCV000537552.10), dbSNP rs774747249, ClinGen allele CA050311.

ClinVar aggregate classification (germline): Uncertain significance (1 of 4 stars; one submission).

Conditions:
Familial adenomatous polyposis 1 (FAP1). Also called: FAMILIAL ADENOMATOUS POLYPOSIS 1, ATTENUATED; POLYPOSIS, ADENOMATOUS INTESTINAL. Identifiers: MedGen C2713442, MONDO:0021056, OMIM 175100. Disease mechanism: loss of function.

Allele frequency attached by ClinVar (database versions not stated): gnomAD 0.00001.
gnomAD v4.1: 1 of 1,613,904 alleles (0.000062%); highest among the groups gnomAD compares: Non-Finnish European, 0.000085%; no homozygotes.

Submission:

Labcorp Genetics (formerly Invitae), Labcorp
Classification: Uncertain significance for Familial adenomatous polyposis 1. Last evaluated: 2017-10-30. Review status: criteria provided, single submitter. Criteria: Invitae Variant Classification Sherloc (09022015). Collection method: clinical testing. Allele origin: germline.
Comment: This variant has not been reported in the literature in individuals with APC-related disease. In summary, the available evidence is currently insufficient to determine the role of this variant in disease. Therefore, it has been classified as a Variant of Uncertain Significance. Algorithms developed to predict the effect of missense changes on protein structure and function (SIFT, PolyPhen-2, Align-GVGD) all suggest that this variant is likely to be tolerated, but these predictions have not been confirmed by published functional studies and their clinical significance is uncertain. This variant is present in population databases (rs774747249, ExAC 0.001%). This sequence change replaces proline with leucine at codon 2747 of the APC protein (p.Pro2747Leu). The proline residue is moderately conserved and there is a moderate physicochemical difference between proline and leucine.